The following is an entry in ClinVar:

ClinVar aggregate classification (germline): Uncertain significance (1 of 4 stars; one submission).

Submission:

CeGaT Center for Human Genetics Tuebingen
Classification: Uncertain significance. Last evaluated: 2022-09-01. Review status: criteria provided, single submitter. Criteria: CeGaT Center For Human Genetics Tuebingen Variant Classification Criteria Version 2. Collection method: clinical testing. Allele origin: germline. Affected: yes. Observed: 1 variant allele.
Comment: DMD: PM2, BP4

NM_004006.3(DMD):c.1223G>T (p.Gly408Val)

Gene: DMD (dystrophin; minus strand). Cytogenetic location: Xp21.1.
Variant type: single nucleotide variant.
Coding change: c.1223G>T on transcript NM_004006.3 (MANE Select); coding-DNA position 1223, G replaced by T.
Protein change: p.Gly408Val; replaces glycine 408 with valine.
Molecular consequence: missense variant.
Genome position (GRCh38, 1-based): chrX:32,644,240, C>A on the plus strand (G>T on the coding strand, the complement: DMD is on the minus strand). VCF-style: chrX-32644240-C-A. GRCh37 (hg19) VCF-style: chrX-32662357-C-A.
Other names: c.1199G>T, p.Gly400Val (NM_000109.4); c.1211G>T, p.Gly404Val (NM_004009.3); c.854G>T, p.Gly285Val (NM_004010.3); short protein forms G285V, G400V, G404V, G408V.
Identifiers: ClinVar variation 1711704 (VCV001711704.30), dbSNP rs2519634896, ClinGen allele CA412661203.